The following is an entry in ClinVar:

ClinVar aggregate classification (germline): Uncertain significance (1 of 4 stars; one submission).

gnomAD v4.1: 4 of 1,613,922 alleles (0.00025%); highest among the groups gnomAD compares: Non-Finnish European, 0.00025%; no homozygotes.

Submission:

Labcorp Genetics (formerly Invitae), Labcorp
Classification: Uncertain significance. Last evaluated: 2024-11-11. Review status: criteria provided, single submitter. Criteria: Invitae Variant Classification Sherloc (09022015). Collection method: clinical testing. Allele origin: germline.
Comment: This sequence change replaces glycine, which is neutral and non-polar, with cysteine, which is neutral and slightly polar, at codon 267 of the GNPTG protein (p.Gly267Cys). This variant is present in population databases (rs370064320, gnomAD 0.002%). This variant has not been reported in the literature in individuals affected with GNPTG-related conditions. ClinVar contains an entry for this variant (Variation ID: 1971485). Invitae Evidence Modeling of protein sequence and biophysical properties (such as structural, functional, and spatial information, amino acid conservation, physicochemical variation, residue mobility, and thermodynamic stability) indicates that this missense variant is not expected to disrupt GNPTG protein function with a negative predictive value of 80%. In summary, the available evidence is currently insufficient to determine the role of this variant in disease. Therefore, it has been classified as a Variant of Uncertain Significance.

NM_032520.5(GNPTG):c.799G>T (p.Gly267Cys)

Gene: GNPTG (N-acetylglucosamine-1-phosphate transferase subunit gamma; plus strand). Cytogenetic location: 16p13.3.
Variant type: single nucleotide variant.
Coding change: c.799G>T on transcript NM_032520.5 (MANE Select); coding-DNA position 799, G replaced by T.
Protein change: p.Gly267Cys; replaces glycine 267 with cysteine.
Molecular consequence: missense variant.
Genome position (GRCh38, 1-based): chr16:1,362,882, G>T. VCF-style: chr16-1362882-G-T. GRCh37 (hg19) VCF-style: chr16-1412883-G-T.
Other names: short protein forms G267C.
Identifiers: ClinVar variation 1971485 (VCV001971485.5), dbSNP rs370064320, ClinGen allele CA7807957.